The following is an entry in ClinVar:

ClinVar aggregate classification (germline): Pathogenic (1 of 4 stars; one submission).

Conditions:
Epilepsy, familial focal, with variable foci 3 (FFEVF3). Identifiers: MedGen C4310708, MONDO:0014925, OMIM 617118.

Submission:

Solve-RD Consortium
Classification: Pathogenic for Epilepsy, familial focal, with variable foci 3. Review status: criteria provided, single submitter. Criteria: ACMG/ClinGen CNV Guidelines, 2019. Collection method: provider interpretation. Allele origin: germline. Inheritance: Autosomal dominant inheritance. Affected: yes. Study: Solve-RD DIFT-EpiCARE reanalysis.
Comment: 2E, 4L

Variant identified during reanalysis of unsolved cases by the Solve-RD project. The Solve-RD project has received funding from the European Union’s Horizon 2020 research and innovation programme under grant agreement No 779257.

NC_000016.9:g.(?_160522)_(188266_202909)del

Genes: HBZ (hemoglobin subunit zeta; plus strand), NPRL3 (NPR3 like, GATOR1 complex subunit; minus strand). Cytogenetic location: 16p13.3.
Variant type: Deletion.
Identifiers: ClinVar variation 4974532 (VCV004974532.1).